The following is an entry in ClinVar:

ClinVar aggregate classification (germline): Uncertain significance (1 of 4 stars; one submission).

Allele frequency attached by ClinVar (database versions not stated): gnomAD exomes below 0.00001; ExAC 0.00001; gnomAD 0.00001.
gnomAD v4.1: 6 of 1,613,594 alleles (0.00037%); highest among the groups gnomAD compares: South Asian, 0.0055%; no homozygotes.

Submission:

Labcorp Genetics (formerly Invitae), Labcorp
Classification: Uncertain significance. Last evaluated: 2022-09-13. Review status: criteria provided, single submitter. Criteria: Invitae Variant Classification Sherloc (09022015). Collection method: clinical testing. Allele origin: germline.
Comment: In summary, the available evidence is currently insufficient to determine the role of this variant in disease. Therefore, it has been classified as a Variant of Uncertain Significance. Algorithms developed to predict the effect of sequence changes on RNA splicing suggest that this variant may create or strengthen a splice site. This variant has not been reported in the literature in individuals affected with DEAF1-related conditions. This variant is present in population databases (rs776527092, gnomAD 0.006%). This sequence change falls in intron 3 of the DEAF1 gene. It does not directly change the encoded amino acid sequence of the DEAF1 protein.

NM_021008.4(DEAF1):c.518-19A>G

Gene: DEAF1 (DEAF1 transcription factor; minus strand). Cytogenetic location: 11p15.5.
Variant type: single nucleotide variant.
Coding change: c.518-19A>G on transcript NM_021008.4 (MANE Select); 19 bases into the intron before coding-DNA position 518, A replaced by G.
Molecular consequence: intron variant.
Genome position (GRCh38, 1-based): chr11:688,076, T>C on the plus strand (A>G on the coding strand, the complement: DEAF1 is on the minus strand). VCF-style: chr11-688076-T-C. GRCh37 (hg19) VCF-style: chr11-688076-T-C.
Other names: c.-209-19A>G (NM_001367390.1, NM_001440885.1, NM_001440887.1 and 1 more transcripts); c.518-19A>G (NM_001293634.2, NM_001440884.1, NM_001440883.1).
Identifiers: ClinVar variation 1965780 (VCV001965780.5), dbSNP rs776527092, ClinGen allele CA5786503.